The following is an entry in ClinVar:

NM_000038.6(APC):c.6312_6321del (p.Ile2104fs)

Gene: APC (APC regulator of Wnt signaling pathway; plus strand). Cytogenetic location: 5q22.2.
Variant type: Deletion.
Coding change: c.6312_6321del on transcript NM_000038.6 (MANE Select); coding-DNA positions 6312 to 6321, 10 bases deleted (TCAGGAAGGT; older notation c.6312_6321delTCAGGAAGGT).
Protein change: p.Ile2104fs; shifts the reading frame from isoleucine 2104.
Molecular consequence: frameshift variant.
Genome position (GRCh38, 1-based): chr5:112,841,906-112,841,915, TCAGGAAGGT deleted; deleting any 10 consecutive bases within chr5:112,841,905-112,841,915 gives the same sequence; the c. name uses the placement nearest the transcript's 3' end. VCF-style (leftmost placement, unchanged base first): chr5-112841904-ATTCAGGAAGG-A. GRCh37 (hg19) VCF-style: chr5-112177601-ATTCAGGAAGG-A.
Other names: c.6312_6321del, p.Ile2104fs (NM_001127510.3, NM_001354895.2); c.6258_6267del, p.Ile2086fs (NM_001127511.3); c.6366_6375del, p.Ile2122fs (NM_001354896.2); c.6342_6351del, p.Ile2114fs (NM_001354897.2); c.6237_6246del, p.Ile2079fs (NM_001354898.2); c.6228_6237del, p.Ile2076fs (NM_001354899.2); c.6189_6198del, p.Ile2063fs (NM_001354900.2); c.6135_6144del, p.Ile2045fs (NM_001354901.2); and 5 more; short protein forms I1821fs, I1944fs, I1978fs, I2003fs, I2013fs, I2045fs, I2063fs, I2076fs.
Identifiers: ClinVar variation 1068575 (VCV001068575.11), dbSNP rs2149962117, ClinGen allele CA2499217498.
Genomic context (GRCh38, chr5:112,841,904, plus strand): 5'-CAGAGACCAGATTCAGAACATGGTCTATCCCCTGATTCAGAAAATTTTGATTGGAAAGCT[ATTCAGGAAGG>A]TGCAAATTCCATAGTAAGTAGTTTACATCAAGCTGCTGCTGCTGCATGTTTATCTAGACA-3'

ClinVar aggregate classification (germline): Pathogenic. Review status: criteria provided, multiple submitters, no conflicts (2 of 4 stars). 2 submissions from 2 submitters: Pathogenic (2). Last evaluated 2023-05-15.

Conditions:
Familial adenomatous polyposis 1 (FAP1). Also called: FAMILIAL ADENOMATOUS POLYPOSIS 1, ATTENUATED; POLYPOSIS, ADENOMATOUS INTESTINAL. Identifiers: MedGen C2713442, MONDO:0021056, OMIM 175100. Disease mechanism: loss of function.

Submissions (2):

Myriad Genetics, Inc.
Classification: Pathogenic for Familial adenomatous polyposis 1. Last evaluated: 2023-05-15. Review status: criteria provided, single submitter. Criteria: Myriad Autosomal Dominant, Autosomal Recessive and X-Linked Classification Criteria (2023). Collection method: clinical testing. Allele origin: unknown.
Comment: This variant is considered pathogenic. This variant creates a frameshift predicted to result in premature protein truncation.

Labcorp Genetics (formerly Invitae), Labcorp
Classification: Pathogenic for Familial adenomatous polyposis 1. Last evaluated: 2020-09-09. Review status: criteria provided, single submitter. Criteria: Invitae Variant Classification Sherloc (09022015). Collection method: clinical testing. Allele origin: germline.
Comment: This sequence change results in a premature translational stop signal in the APC gene (p.Ile2104Metfs*5). While this is not anticipated to result in nonsense mediated decay, it is expected to disrupt the last 740 amino acids of the APC protein. This variant is not present in population databases (ExAC no frequency). This variant has not been reported in the literature in individuals with APC-related conditions. A different truncation (p.Tyr2645Lysfs*14) that lies downstream of this variant has been determined to be pathogenic (PMID: 9824584, 1316610, 27081525, 8381579, 22135120, Invitae). This suggests that deletion of this region of the APC protein is causative of disease. For these reasons, this variant has been classified as Pathogenic. This variant is expected to disrupt the EB1 and HDLG binding sites, which mediate interactions with the cytoskeleton (PMID: 15311282, 17293347). While functional studies have not been performed to directly test the effect on APC protein function, this suggests that disruption of the C-terminal portion of the protein is functionally important.

Literature cited by the submitters: PubMed 9824584 (cited by Labcorp Genetics (formerly Invitae), Labcorp); PubMed 1316610 (cited by Labcorp Genetics (formerly Invitae), Labcorp); PubMed 27081525 (cited by Labcorp Genetics (formerly Invitae), Labcorp); PubMed 8381579 (cited by Labcorp Genetics (formerly Invitae), Labcorp); PubMed 22135120 (cited by Labcorp Genetics (formerly Invitae), Labcorp); PubMed 15311282 (cited by Labcorp Genetics (formerly Invitae), Labcorp); PubMed 17293347 (cited by Labcorp Genetics (formerly Invitae), Labcorp).